The following is an entry in ClinVar:

ClinVar aggregate classification (germline): Uncertain significance (1 of 4 stars; one submission).

Allele frequency attached by ClinVar (database versions not stated): gnomAD 0.00002; TOPMed 0.00002.
gnomAD v4.1: 35 of 1,612,062 alleles (0.0022%); highest among the groups gnomAD compares: African/African-American, 0.004%; no homozygotes.

Submission:

Labcorp Genetics (formerly Invitae), Labcorp
Classification: Uncertain significance. Last evaluated: 2023-12-14. Review status: criteria provided, single submitter. Criteria: Invitae Variant Classification Sherloc (09022015). Collection method: clinical testing. Allele origin: germline.
Comment: This sequence change replaces arginine, which is basic and polar, with tryptophan, which is neutral and slightly polar, at codon 522 of the PMPCA protein (p.Arg522Trp). This variant is present in population databases (no rsID available, gnomAD 0.01%). This variant has not been reported in the literature in individuals affected with PMPCA-related conditions. An algorithm developed to predict the effect of missense changes on protein structure and function (PolyPhen-2) suggests that this variant is likely to be disruptive. In summary, the available evidence is currently insufficient to determine the role of this variant in disease. Therefore, it has been classified as a Variant of Uncertain Significance.

NM_015160.3(PMPCA):c.1564C>T (p.Arg522Trp)

Gene: PMPCA (peptidase, mitochondrial processing subunit alpha; plus strand). Cytogenetic location: 9q34.3.
Variant type: single nucleotide variant.
Coding change: c.1564C>T on transcript NM_015160.3 (MANE Select); coding-DNA position 1564, C replaced by T.
Protein change: p.Arg522Trp; replaces arginine 522 with tryptophan.
Molecular consequence: missense variant.
Genome position (GRCh38, 1-based): chr9:136,423,250, C>T. VCF-style: chr9-136423250-C-T. GRCh37 (hg19) VCF-style: chr9-139317702-C-T.
Other names: c.1171C>T, p.Arg391Trp (NM_001282944.2); c.1264C>T, p.Arg422Trp (NM_001282946.2); short protein forms R422W, R391W, R522W.
Identifiers: ClinVar variation 2885341 (VCV002885341.3), dbSNP rs1024902017, ClinGen allele CA201630249.